The following is an entry in ClinVar:

ClinVar aggregate classification (germline): Pathogenic (1 of 4 stars; one submission).

Conditions:
Weiss-Kruszka syndrome. Also called: Metopic ridging-ptosis-facial dysmorphism syndrome. Identifiers: Orphanet 502430, MedGen C5568107, MONDO:0032836, OMIM 618619.

Submission:

Broad Center for Mendelian Genomics, Broad Institute of MIT and Harvard
Classification: Pathogenic for Weiss-Kruszka syndrome. Last evaluated: 2023-08-24. Review status: criteria provided, single submitter. Criteria: ACMG/ClinGen CNV Guidelines, 2019. Collection method: research. Allele origin: de novo. Inheritance: Autosomal dominant inheritance. Affected: yes.
Comment: These breakpoints have been estimated by exome sequencing only and therefore may not reflect the true breakpoints. The patient phenotype is nonspecific, but is consistent with cases described in the literature and/or published databases with overlapping variants. There is complete overlap with the ZNF462 gene which is known to be haploinsufficient and has been assessed by the ClinGen Dosage Sensitivity Working Group. In summary, this variant meets criteria to be classified as pathogenic for autosomal dominant Weiss-Kruszka syndrome. The ACMG/ClinGen evidence codes and points used in this curation are as follows: 1: 0 points, 2: 1.00 points, 3: 0 points, 4-5: 0.15 points; Total: 1.15 points; Riggs 2020 (PMID: 31690835)

GRCh38/hg38 9q31.1-31.3(chr9:102995214-108903040)x1

Genes: ABCA1 (ATP binding cassette subfamily A member 1; minus strand), ACTL7A (actin like 7A; plus strand), ACTL7B (actin like 7B; minus strand), CT70 (cancer/testis associated transcript 70; minus strand), CYLC2 (cylicin 2; plus strand) and 106 more. Cytogenetic location: 9q31.1-31.3.
Variant type: copy number loss.
Change: copy number 1 (one copy instead of two) of chr9:102,995,214-108,903,040 (5.91 Mb, GRCh38 coordinates, 1-based), cytogenetic band 9q31.1-31.3.
Identifiers: ClinVar variation 2579281 (VCV002579281.1).